The following is an entry in ClinVar:

ClinVar aggregate classification (germline): Uncertain significance. Review status: criteria provided, multiple submitters, no conflicts (2 of 4 stars). 2 submissions from 2 submitters: Uncertain significance (2). Last evaluated 2022-03-08.

Conditions:
Ullrich congenital muscular dystrophy 2 (UCMD2). Identifiers: Orphanet 75840, MedGen C4225314, MONDO:0014654, OMIM 616470.
Bethlem myopathy 2 (BTHLM2). Identifiers: Orphanet 536516, Orphanet 610, MedGen C4225313, MONDO:0034022, OMIM 616471.
Inborn genetic diseases. Identifiers: MedGen C0950123, MeSH D030342.

Allele frequency attached by ClinVar (database versions not stated): gnomAD exomes 0.00001.
gnomAD v4.1: 4 of 1,613,544 alleles (0.00025%); highest among the groups gnomAD compares: Admixed American, 0.0067%; no homozygotes.

Submissions (2):

Labcorp Genetics (formerly Invitae), Labcorp
Classification: Uncertain significance for Bethlem myopathy 2; Ullrich congenital muscular dystrophy 2. Last evaluated: 2022-03-08. Review status: criteria provided, single submitter. Criteria: Invitae Variant Classification Sherloc (09022015). Collection method: clinical testing. Allele origin: germline.
Comment: This variant has not been reported in the literature in individuals affected with COL12A1-related conditions. This variant is present in population databases (no rsID available, gnomAD 0.003%). This sequence change replaces glycine, which is neutral and non-polar, with cysteine, which is neutral and slightly polar, at codon 1116 of the COL12A1 protein (p.Gly1116Cys). Algorithms developed to predict the effect of missense changes on protein structure and function are either unavailable or do not agree on the potential impact of this missense change (SIFT: "Deleterious"; PolyPhen-2: "Probably Damaging"; Align-GVGD: "Class C0"). In summary, the available evidence is currently insufficient to determine the role of this variant in disease. Therefore, it has been classified as a Variant of Uncertain Significance.

Ambry Genetics
Classification: Uncertain significance for Inborn genetic diseases. Last evaluated: 2022-02-17. Review status: criteria provided, single submitter. Criteria: Ambry Variant Classification Scheme 2023. Collection method: clinical testing. Allele origin: germline.

NM_004370.6(COL12A1):c.3346G>T (p.Gly1116Cys)

Gene: COL12A1 (collagen type XII alpha 1 chain; minus strand). Cytogenetic location: 6q13.
Variant type: single nucleotide variant.
Coding change: c.3346G>T on transcript NM_004370.6 (MANE Select); coding-DNA position 3346, G replaced by T.
Protein change: p.Gly1116Cys; replaces glycine 1116 with cysteine.
Molecular consequence: missense variant. On other transcripts: intron variant (1).
Genome position (GRCh38, 1-based): chr6:75,155,759, C>A on the plus strand (G>T on the coding strand, the complement: COL12A1 is on the minus strand). VCF-style: chr6-75155759-C-A. GRCh37 (hg19) VCF-style: chr6-75865475-C-A.
Other names: c.74-3277G>T (NM_080645.3); c.3346G>T (NM_004370.5); short protein forms G1116C.
Identifiers: ClinVar variation 1447822 (VCV001447822.7), dbSNP rs1337121359, ClinGen allele CA364752568.